The following is an entry in ClinVar:

NM_004260.4(RECQL4):c.517C>T (p.Gln173Ter)

Gene: RECQL4 (RecQ like helicase 4; minus strand). Cytogenetic location: 8q24.3.
Variant type: single nucleotide variant.
Coding change: c.517C>T on transcript NM_004260.4 (MANE Select); coding-DNA position 517, C replaced by T.
Protein change: p.Gln173Ter; replaces glutamine 173 with a stop codon.
Molecular consequence: nonsense.
Genome position (GRCh38, 1-based): chr8:144,516,602, G>A on the plus strand (C>T on the coding strand, the complement: RECQL4 is on the minus strand). VCF-style: chr8-144516602-G-A. GRCh37 (hg19) VCF-style: chr8-145741986-G-A.
Other names: short protein forms Q173*.
Identifiers: ClinVar variation 450210 (VCV000450210.9), dbSNP rs373180788, ClinGen allele CA4949263.

ClinVar aggregate classification (germline): Pathogenic. Review status: criteria provided, multiple submitters, no conflicts (2 of 4 stars). 3 submissions from 3 submitters: Pathogenic (3). Last evaluated 2026-05-05.

Conditions:
Baller-Gerold syndrome (BGS). Also called: CRANIOSYNOSTOSIS WITH RADIAL DEFECTS. Identifiers: Orphanet 1225, MedGen C0265308, MONDO:0009039, OMIM 218600.
Pigmentary skin disorders.

Allele frequency attached by ClinVar (database versions not stated): ExAC 0.00002; gnomAD exomes below 0.00001 and 0.00001; TOPMed 0.00001; ESP Exome Variant Server 0.00008.
gnomAD v4.1: 1 of 1,610,814 alleles (0.000062%); highest among the groups gnomAD compares: African/African-American, 0.0013%; no homozygotes.

Submissions (3):

Genetics Laboratory, Great Ormond Street Hospital NHS Foundation Trust, North Thames Genomic Laboratory Hub
Classification: Pathogenic for Pigmentary skin disorders. Last evaluated: 2026-05-05. Review status: criteria provided, single submitter. Criteria: ACGS Best Practice Guidelines for Variant Classification in Rare Disease 2024 v1.2. Collection method: clinical testing. Allele origin: germline. Affected: yes.
Comment: PM2_moderate, PVS1_very-strong

Labcorp Genetics (formerly Invitae), Labcorp
Classification: Pathogenic for Baller-Gerold syndrome. Last evaluated: 2021-08-06. Review status: criteria provided, single submitter. Criteria: Invitae Variant Classification Sherloc (09022015). Collection method: clinical testing. Allele origin: germline.
Comment: This sequence change creates a premature translational stop signal (p.Gln173*) in the RECQL4 gene. It is expected to result in an absent or disrupted protein product. For these reasons, this variant has been classified as Pathogenic. Loss-of-function variants in RECQL4 are known to be pathogenic (PMID: 12734318, 12952869). This variant has not been reported in the literature in individuals with RECQL4-related conditions. ClinVar contains an entry for this variant (Variation ID: 450210). This variant is present in population databases (rs373180788, ExAC 0.03%).

GeneDx
Classification: Pathogenic. Last evaluated: 2019-09-23. Review status: criteria provided, single submitter. Criteria: GeneDx Variant Classification Process June 2021. Collection method: clinical testing. Allele origin: germline. Affected: yes.
Comment: Has not been previously published as pathogenic or benign to our knowledge; Nonsense variant predicted to result in protein truncation or nonsense mediated decay in a gene for which loss-of-function is a known mechanism of disease; Not observed at a significant frequency in large population cohorts (Lek et al., 2016); This variant is associated with the following publications: (PMID: 29625052)

Literature cited by the submitters: PubMed 12734318 (cited by Labcorp Genetics (formerly Invitae), Labcorp); PubMed 12952869 (cited by Labcorp Genetics (formerly Invitae), Labcorp).